The following is an entry in ClinVar:

NM_001352027.3(PHF21A):c.317C>T (p.Ala106Val)

Gene: PHF21A (PHD finger protein 21A; minus strand). Cytogenetic location: 11p11.2.
Variant type: single nucleotide variant.
Coding change: c.317C>T on transcript NM_001352027.3 (MANE Select); coding-DNA position 317, C replaced by T.
Protein change: p.Ala106Val; replaces alanine 106 with valine.
Molecular consequence: missense variant. On other transcripts: non-coding transcript variant (2).
Genome position (GRCh38, 1-based): chr11:45,979,803, G>A on the plus strand (C>T on the coding strand, the complement: PHF21A is on the minus strand). VCF-style: chr11-45979803-G-A. GRCh37 (hg19) VCF-style: chr11-46001354-G-A.
Other names: c.317C>T, p.Ala106Val (NM_001101802.3, NM_001352025.3, NM_001352026.3 and 9 more transcripts); c.338C>T, p.Ala113Val (NM_001441167.1, NM_001441168.1, NM_001441169.1); short protein forms A106V, A113V.
Identifiers: ClinVar variation 4772830 (VCV004772830.1).
Genomic context (GRCh38, chr11:45,979,803, plus strand): 5'-TCCATCCACACATTTACCTGTGAAGCAGTCAGGTTGGGAGAGGCTGCAGCTGACTGCTGG[G>A]CGTGGTGGTGGTGGTACTGCTGCTGTTGTTGTAGTTGCTGTAGTGGTTGCTGCTGTGCTG-3'
Protein context (NP_001338956.1, residues 96-116): QQQQQYHHHH[Ala106Val]QQSAAASPNL

ClinVar aggregate classification (germline): Uncertain significance (1 of 4 stars; one submission).

gnomAD v4.1: 2 of 1,614,100 alleles (0.00012%); highest among the groups gnomAD compares: South Asian, 0.0011%; no homozygotes.

Submission:

Labcorp Genetics (formerly Invitae), Labcorp
Classification: Uncertain significance. Last evaluated: 2025-08-17. Review status: criteria provided, single submitter. Criteria: Invitae Variant Classification Sherloc (09022015). Collection method: clinical testing. Allele origin: germline.
Comment: This sequence change replaces alanine, which is neutral and non-polar, with valine, which is neutral and non-polar, at codon 106 of the PHF21A protein (p.Ala106Val). This variant is present in population databases (rs778057230, gnomAD 0.003%). This variant has not been reported in the literature in individuals affected with PHF21A-related conditions. Invitae Evidence Modeling of protein sequence and biophysical properties (such as structural, functional, and spatial information, amino acid conservation, physicochemical variation, residue mobility, and thermodynamic stability) indicates that this missense variant is not expected to disrupt PHF21A protein function with a negative predictive value of 80%. In summary, the available evidence is currently insufficient to determine the role of this variant in disease. Therefore, it has been classified as a Variant of Uncertain Significance.